The following is an entry in ClinVar:

NM_000535.7(PMS2):c.1980C>T (p.Ala660=)

Gene: PMS2 (PMS1 homolog 2, mismatch repair system component; minus strand). Cytogenetic location: 7p22.1.
Variant type: single nucleotide variant.
Coding change: c.1980C>T on transcript NM_000535.7 (MANE Select); coding-DNA position 1980, C replaced by T.
Protein change: p.Ala660=; no amino-acid change (alanine 660 retained).
Molecular consequence: synonymous variant. On other transcripts: non-coding transcript variant (1).
Genome position (GRCh38, 1-based): chr7:5,986,785, G>A on the plus strand (C>T on the coding strand, the complement: PMS2 is on the minus strand). VCF-style: chr7-5986785-G-A. GRCh37 (hg19) VCF-style: chr7-6026416-G-A.
Other names: c.1575C>T, p.Ala525= (NM_001322003.2, NM_001322004.2, NM_001322005.2 and 1 more transcripts); c.1824C>T, p.Ala608= (NM_001322006.2); c.1662C>T, p.Ala554= (NM_001322007.2, NM_001322008.2); c.1419C>T, p.Ala473= (NM_001322010.2); c.1047C>T, p.Ala349= (NM_001322011.2, NM_001322012.2); c.1407C>T, p.Ala469= (NM_001322013.2); c.1980C>T, p.Ala660= (NM_001322014.2); c.1671C>T, p.Ala557= (NM_001322015.2).
Identifiers: ClinVar variation 184644 (VCV000184644.42), dbSNP rs368928783, ClinGen allele CA010587.

ClinVar aggregate classification (germline): Conflicting classifications of pathogenicity. Review status: criteria provided, conflicting classifications (1 of 4 stars). 12 submissions from 12 submitters: Uncertain significance (1); Benign (2); Likely benign (9). Last evaluated 2026-02-03.

Conditions:
Hereditary nonpolyposis colorectal neoplasms. Identifiers: MedGen C0009405, MeSH D003123.
Hereditary cancer-predisposing syndrome. Also called: Tumor predisposition; Neoplastic Syndromes, Hereditary; Hereditary Cancer Syndrome; Hereditary neoplastic syndrome. Identifiers: Orphanet 140162, MedGen C0027672, MeSH D009386, MONDO:0015356.
Lynch syndrome. Identifiers: Orphanet 144, MedGen C4552100, MONDO:0005835. Disease mechanism: loss of function.
Lynch syndrome 4 (LYNCH4). Also called: Hereditary non-polyposis colorectal cancer, type 4; Colorectal cancer, hereditary nonpolyposis, type 4. Identifiers: Orphanet 144, MedGen C1838333, MONDO:0013699, OMIM 614337. Disease mechanism: loss of function.

Allele frequency attached by ClinVar (database versions not stated): gnomAD exomes 0.00003; ExAC 0.00005; ESP Exome Variant Server 0.00008; gnomAD 0.00009; TOPMed 0.00006.
gnomAD v4.1: 51 of 1,606,296 alleles (0.0032%); highest among the groups gnomAD compares: African/African-American, 0.02%; no homozygotes.

Submissions (12):

Labcorp Genetics (formerly Invitae), Labcorp
Classification: Likely benign for Hereditary nonpolyposis colorectal neoplasms. Last evaluated: 2026-02-03. Review status: criteria provided, single submitter. Criteria: Invitae Variant Classification Sherloc (09022015). Collection method: clinical testing. Allele origin: germline.

Myriad Genetics, Inc.
Classification: Benign for Lynch syndrome 4. Last evaluated: 2025-02-03. Review status: criteria provided, single submitter. Criteria: Myriad Autosomal Dominant, Autosomal Recessive and X-Linked Classification Criteria (2023). Collection method: clinical testing. Allele origin: unknown.
Comment: This variant is considered benign. This variant is a silent/synonymous amino acid change and it is not expected to impact splicing.

CeGaT Center for Human Genetics Tuebingen
Classification: Likely benign. Last evaluated: 2025-02-01. Review status: criteria provided, single submitter. Criteria: CeGaT Center For Human Genetics Tuebingen Variant Classification Criteria Version 2. Collection method: clinical testing. Allele origin: germline. Affected: yes. Observed: 2 variant alleles.
Comment: PMS2: BP4, BP7

Quest Diagnostics Nichols Institute San Juan Capistrano
Classification: Likely benign. Last evaluated: 2025-02-01. Review status: criteria provided, single submitter. Criteria: Quest Diagnostics criteria. Collection method: clinical testing. Allele origin: unknown.

Blueprint Genetics
Classification: Likely benign. Last evaluated: 2024-04-04. Review status: criteria provided, single submitter. Criteria: ACMG Guidelines, 2015. Collection method: clinical testing. Allele origin: germline.

All of Us Research Program, National Institutes of Health
Classification: Likely benign for Lynch syndrome. Last evaluated: 2023-09-17. Review status: criteria provided, single submitter. Criteria: ACMG Guidelines, 2015. Collection method: clinical testing. Allele origin: germline. Inheritance: Autosomal dominant inheritance. Observed: 8 variant alleles, 8 heterozygotes.
Comment: This study involves interpretation of variants in research participants for the purpose of population health screening. Participant phenotype was not available at the time of variant classification. Additional details can be found in publication PMID: 35346344, PMCID: PMC8962531

Sema4
Classification: Likely benign for Hereditary cancer-predisposing syndrome. Last evaluated: 2022-01-26. Review status: criteria provided, single submitter. Criteria: Sema4 Curation Guidelines. Collection method: curation. Allele origin: germline.

Women's Health and Genetics/Laboratory Corporation of America, LabCorp
Classification: Likely benign. Last evaluated: 2019-08-29. Review status: criteria provided, single submitter. Criteria: LabCorp Variant Classification Summary - May 2015. Collection method: clinical testing. Allele origin: germline.

Illumina Laboratory Services, Illumina
Classification: Uncertain significance for Lynch syndrome 4. Last evaluated: 2018-01-12. Review status: criteria provided, single submitter. Criteria: ICSL Variant Classification Criteria 13 December 2019. Collection method: clinical testing. Allele origin: germline.

Color Diagnostics, LLC DBA Color Health
Classification: Likely benign for Hereditary cancer-predisposing syndrome. Last evaluated: 2017-08-24. Review status: criteria provided, single submitter. Criteria: ACMG Guidelines, 2015. Collection method: clinical testing. Allele origin: germline.

GeneDx
Classification: Benign. Last evaluated: 2015-08-05. Review status: criteria provided, single submitter. Criteria: GeneDx Variant Classification (06012015). Collection method: clinical testing. Allele origin: germline. Affected: yes.
Comment: This variant is considered likely benign or benign based on one or more of the following criteria: it is a conservative change, it occurs at a poorly conserved position in the protein, it is predicted to be benign by multiple in silico algorithms, and/or has population frequency not consistent with disease.

Ambry Genetics
Classification: Likely benign for Hereditary cancer-predisposing syndrome. Last evaluated: 2014-06-09. Review status: criteria provided, single submitter. Criteria: Ambry Variant Classification Scheme 2023. Collection method: clinical testing. Allele origin: germline.